The following is an entry in ClinVar:

ClinVar aggregate classification (germline): Uncertain significance (1 of 4 stars; one submission).

Submission:

Labcorp Genetics (formerly Invitae), Labcorp
Classification: Uncertain significance. Last evaluated: 2025-12-25. Review status: criteria provided, single submitter. Criteria: Invitae Variant Classification Sherloc (09022015). Collection method: clinical testing. Allele origin: germline.
Comment: This sequence change replaces alanine, which is neutral and non-polar, with valine, which is neutral and non-polar, at codon 732 of the NLGN2 protein (p.Ala732Val). This variant is present in population databases (rs376519239, gnomAD 0.07%), and has an allele count higher than expected for a pathogenic variant. This variant has not been reported in the literature in individuals affected with NLGN2-related conditions. Invitae Evidence Modeling of protein sequence and biophysical properties (such as structural, functional, and spatial information, amino acid conservation, physicochemical variation, residue mobility, and thermodynamic stability) indicates that this missense variant is not expected to disrupt NLGN2 protein function with a negative predictive value of 80%. In summary, the available evidence is currently insufficient to determine the role of this variant in disease. Therefore, it has been classified as a Variant of Uncertain Significance.

NM_020795.4(NLGN2):c.2195C>T (p.Ala732Val)

Gene: NLGN2 (neuroligin 2; plus strand). Cytogenetic location: 17p13.1.
Variant type: single nucleotide variant.
Coding change: c.2195C>T on transcript NM_020795.4 (MANE Select); coding-DNA position 2195, C replaced by T.
Protein change: p.Ala732Val; replaces alanine 732 with valine.
Molecular consequence: missense variant.
Genome position (GRCh38, 1-based): chr17:7,417,486, C>T. VCF-style: chr17-7417486-C-T. GRCh37 (hg19) VCF-style: chr17-7320805-C-T.
Other names: short protein forms A732V.
Identifiers: ClinVar variation 4754753 (VCV004754753.1).